The following is an entry in ClinVar:

ClinVar aggregate classification (germline): Conflicting classifications of pathogenicity. Review status: criteria provided, conflicting classifications (1 of 4 stars). 7 submissions from 7 submitters: Uncertain significance (3); Benign (1); Likely benign (3). Last evaluated 2026-01-26.

Conditions:
HOXB13-related disorder. Also called: HOXB13-related condition; HOXB13-related disorders.
Prostate cancer, hereditary, 9 (HPC9). Identifiers: Orphanet 1331, MedGen C1970250, MONDO:0012597, OMIM 610997.
Hereditary cancer-predisposing syndrome. Also called: Hereditary neoplastic syndrome; Tumor predisposition; Neoplastic Syndromes, Hereditary; Hereditary Cancer Syndrome. Identifiers: Orphanet 140162, MedGen C0027672, MeSH D009386, MONDO:0015356.

Allele frequency attached by ClinVar (database versions not stated): gnomAD 0.00003 and 0.00007; TOPMed 0.00005; ExAC 0.00010; 1000 Genomes Project 30x 0.00016; 1000 Genomes Project 0.00020.

Submissions (7):

Labcorp Genetics (formerly Invitae), Labcorp
Classification: Likely benign. Last evaluated: 2026-01-26. Review status: criteria provided, single submitter. Criteria: Invitae Variant Classification Sherloc (09022015). Collection method: clinical testing. Allele origin: germline.

PreventionGenetics, part of Exact Sciences
Classification: Likely benign for HOXB13-related condition. Last evaluated: 2025-10-07. Review status: criteria provided, single submitter. Criteria: ACMG Guidelines, 2015. Collection method: clinical testing. Allele origin: germline.
Comment: This variant is classified as likely benign based on ACMG/AMP sequence variant interpretation guidelines (Richards et al. 2015 PMID: 25741868, with internal and published modifications).

Ambry Genetics
Classification: Uncertain significance for Hereditary cancer-predisposing syndrome. Last evaluated: 2024-09-09. Review status: criteria provided, single submitter. Criteria: Ambry Variant Classification Scheme 2023. Collection method: clinical testing. Allele origin: germline.
Comment: The p.T41M variant (also known as c.122C>T), located in coding exon 1 of the HOXB13 gene, results from a C to T substitution at nucleotide position 122. The threonine at codon 41 is replaced by methionine, an amino acid with similar properties. This amino acid position is not well conserved in available vertebrate species. In addition, this alteration is predicted to be tolerated by in silico analysis. Based on the available evidence, the clinical significance of this variant remains unclear.

CeGaT Center for Human Genetics Tuebingen
Classification: Likely benign. Last evaluated: 2023-09-01. Review status: criteria provided, single submitter. Criteria: CeGaT Center For Human Genetics Tuebingen Variant Classification Criteria Version 2. Collection method: clinical testing. Allele origin: germline. Affected: yes. Observed: 1 variant allele.
Comment: HOXB13: BS1

GeneDx
Classification: Uncertain significance. Last evaluated: 2023-08-07. Review status: criteria provided, single submitter. Criteria: GeneDx Variant Classification Process June 2021. Collection method: clinical testing. Allele origin: germline. Affected: yes.
Comment: In silico analysis supports that this missense variant does not alter protein structure/function; Observed in prostate cancer cases and unaffected controls (Momozawa et al., 2019); This variant is associated with the following publications: (PMID: 28272408, 11857506, 31214711)

Department of Pathology and Laboratory Medicine, Sinai Health System
Classification: Uncertain significance for Prostate cancer, hereditary, 9. Last evaluated: 2023-07-05. Review status: criteria provided, single submitter. Criteria: ACMG Guidelines, 2015. Collection method: clinical testing. Allele origin: germline. Affected: yes.

Quest Diagnostics Nichols Institute San Juan Capistrano
Classification: Benign. Last evaluated: 2021-07-07. Review status: criteria provided, single submitter. Criteria: Quest Diagnostics criteria. Collection method: clinical testing. Allele origin: unknown.

Literature cited by the submitters: PubMed 28272408 (cited by Ambry Genetics and Quest Diagnostics Nichols Institute San Juan Capistrano); PubMed 31214711 (cited by Department of Pathology and Laboratory Medicine, Sinai Health System and Quest Diagnostics Nichols Institute San Juan Capistrano).

NM_006361.6(HOXB13):c.122C>T (p.Thr41Met)

Gene: HOXB13 (homeobox B13; minus strand). Cytogenetic location: 17q21.32.
Variant type: single nucleotide variant.
Coding change: c.122C>T on transcript NM_006361.6 (MANE Select); coding-DNA position 122, C replaced by T.
Protein change: p.Thr41Met; replaces threonine 41 with methionine.
Molecular consequence: missense variant.
Genome position (GRCh38, 1-based): chr17:48,728,472, G>A on the plus strand (C>T on the coding strand, the complement: HOXB13 is on the minus strand). VCF-style: chr17-48728472-G-A. GRCh37 (hg19) VCF-style: chr17-46805834-G-A.
Other names: short protein forms T41M.
Identifiers: ClinVar variation 483475 (VCV000483475.49), dbSNP rs199799743, ClinGen allele CA8634058.